The following is an entry in ClinVar:

NM_006267.5(RANBP2):c.1690G>A (p.Ala564Thr)

Gene: RANBP2 (RAN binding protein 2; plus strand). Cytogenetic location: 2q13.
Variant type: single nucleotide variant.
Coding change: c.1690G>A on transcript NM_006267.5 (MANE Select); coding-DNA position 1690, G replaced by A.
Protein change: p.Ala564Thr; replaces alanine 564 with threonine.
Molecular consequence: missense variant.
Genome position (GRCh38, 1-based): chr2:108,751,929, G>A. VCF-style: chr2-108751929-G-A. GRCh37 (hg19) VCF-style: chr2-109368385-G-A.
Other names: short protein forms A564T.
Identifiers: ClinVar variation 1716185 (VCV001716185.6), dbSNP rs1675915650, ClinGen allele CA348050192.

ClinVar aggregate classification (germline): Uncertain significance (1 of 4 stars; one submission).

Conditions:
Familial acute necrotizing encephalopathy (IIAE3). Also called: ENCEPHALOPATHY, ACUTE, INFECTION-INDUCED, SUSCEPTIBILITY TO, 3; Susceptibility to Acute Necrotizing Encephalopathy 1. Identifiers: Orphanet 88619, MedGen C2675556, MONDO:0011953, OMIM 608033.

Allele frequency attached by ClinVar (database versions not stated): gnomAD exomes below 0.00001; gnomAD 0.00001.
gnomAD v4.1: 3 of 1,611,788 alleles (0.00019%); highest among the groups gnomAD compares: African/African-American, 0.0013%; no homozygotes.

Submission:

Labcorp Genetics (formerly Invitae), Labcorp
Classification: Uncertain significance for Familial acute necrotizing encephalopathy. Last evaluated: 2023-07-26. Review status: criteria provided, single submitter. Criteria: Invitae Variant Classification Sherloc (09022015). Collection method: clinical testing. Allele origin: germline.
Comment: In summary, the available evidence is currently insufficient to determine the role of this variant in disease. Therefore, it has been classified as a Variant of Uncertain Significance. An algorithm developed to predict the effect of missense changes on protein structure and function (PolyPhen-2) suggests that this variant is likely to be tolerated. ClinVar contains an entry for this variant (Variation ID: 1716185). This variant has not been reported in the literature in individuals affected with RANBP2-related conditions. This variant is not present in population databases (gnomAD no frequency). This sequence change replaces alanine, which is neutral and non-polar, with threonine, which is neutral and polar, at codon 564 of the RANBP2 protein (p.Ala564Thr).